The following is an entry in ClinVar:

ClinVar aggregate classification (germline): Uncertain significance (1 of 4 stars; one submission).

Conditions:
Hereditary cancer-predisposing syndrome. Also called: Tumor predisposition; Hereditary neoplastic syndrome; Hereditary Cancer Syndrome; Neoplastic Syndromes, Hereditary. Identifiers: Orphanet 140162, MedGen C0027672, MeSH D009386, MONDO:0015356.

Submission:

Ambry Genetics
Classification: Uncertain significance for Hereditary cancer-predisposing syndrome. Last evaluated: 2023-09-22. Review status: criteria provided, single submitter. Criteria: Ambry Variant Classification Scheme 2023. Collection method: clinical testing. Allele origin: germline.
Comment: The p.Q449H variant (also known as c.1347G>C), located in coding exon 10 of the CDH1 gene, results from a G to C substitution at nucleotide position 1347. The glutamine at codon 449 is replaced by histidine, an amino acid with highly similar properties. This amino acid position is not well conserved in available vertebrate species. In addition, this alteration is predicted to be tolerated by in silico analysis. Since supporting evidence is limited at this time, the clinical significance of this alteration remains unclear.

NM_004360.5(CDH1):c.1347G>C (p.Gln449His)

Gene: CDH1 (cadherin 1; plus strand). Cytogenetic location: 16q22.1.
Variant type: single nucleotide variant.
Coding change: c.1347G>C on transcript NM_004360.5 (MANE Select); coding-DNA position 1347, G replaced by C.
Protein change: p.Gln449His; replaces glutamine 449 with histidine.
Molecular consequence: missense variant. On other transcripts: 5 prime UTR variant (2).
Genome position (GRCh38, 1-based): chr16:68,815,541, G>C. VCF-style: chr16-68815541-G-C. GRCh37 (hg19) VCF-style: chr16-68849444-G-C.
Other names: c.1164G>C, p.Gln388His (NM_001317184.2); c.-202G>C (NM_001317185.2); c.-473G>C (NM_001317186.2); short protein forms Q388H, Q449H.
Identifiers: ClinVar variation 3224144 (VCV003224144.1), dbSNP rs2152134716, ClinGen allele CA396462734.
Genomic context (GRCh38, chr16:68,815,541, plus strand): 5'-TTTTGTTTTTAACTTCATTGTTTCTGCTCTCTAGGGCTTGGATTTTGAGGCCAAGCAGCA[G>C]TACATTCTACACGTAGCAGTGACGAATGTGGTACCTTTTGAGGTCTCTCTCACCACCTCC-3'
Protein context (NP_004351.1, residues 439-459): AKGLDFEAKQ[Gln449His]YILHVAVTNV